The following is an entry in ClinVar:

ClinVar aggregate classification (germline): Benign/Likely benign. Review status: criteria provided, multiple submitters, no conflicts (2 of 4 stars). 3 submissions from 3 submitters: Benign (1); Likely benign (2). Last evaluated 2025-11-21.

Submissions (3):

Mayo Clinic Laboratories, Mayo Clinic
Classification: Likely benign. Last evaluated: 2025-11-21. Review status: criteria provided, single submitter. Criteria: ACMG Guidelines, 2015. Collection method: clinical testing. Allele origin: germline. Observed: 182 variant alleles.
Comment: BP4, BP7

Labcorp Genetics (formerly Invitae), Labcorp
Classification: Benign. Last evaluated: 2025-11-13. Review status: criteria provided, single submitter. Criteria: Invitae Variant Classification Sherloc (09022015). Collection method: clinical testing. Allele origin: germline.

Blueprint Genetics
Classification: Likely benign. Last evaluated: 2024-11-26. Review status: criteria provided, single submitter. Criteria: ACMG Guidelines, 2015. Collection method: clinical testing. Allele origin: germline.

NM_002887.4(RARS1):c.1873+32_1873+33del

Gene: RARS1 (arginyl-tRNA synthetase 1; plus strand). Cytogenetic location: 5q34.
Variant type: Deletion.
Coding change: c.1873+32_1873+33del on transcript NM_002887.4 (MANE Select); bases 32 to 33 of the intron after coding-DNA position 1873, 2 bases deleted (TT; older notation c.1873+32_1873+33delTT).
Molecular consequence: intron variant.
Genome position (GRCh38, 1-based): chr5:168,518,094-168,518,095, TT deleted; deleting any 2 consecutive bases within chr5:168,518,072-168,518,095 gives the same sequence; the c. name uses the placement nearest the transcript's 3' end. VCF-style (leftmost placement, unchanged base first): chr5-168518071-CTT-C. GRCh37 (hg19) VCF-style: chr5-167945076-CTT-C.
Other names: p.?.
Identifiers: ClinVar variation 2045091 (VCV002045091.6), dbSNP rs747777615, ClinGen allele CA807266757.